The following is an entry in ClinVar:

ClinVar aggregate classification (germline): Uncertain significance (1 of 4 stars; one submission).

Conditions:
Autosomal dominant spastic paraplegia type 9. Identifiers: MedGen C1832669, MONDO:0015091.
de Barsy syndrome. Also called: Cutis laxa-corneal clouding-oligophrenia syndrome. Identifiers: Orphanet 2962, MedGen C0268354, MONDO:0017569.
Cutis laxa, autosomal dominant 3 (ADCL3). Identifiers: Orphanet 90348, MedGen C4225268, MONDO:0014706, OMIM 616603.

Allele frequency attached by ClinVar (database versions not stated): ExAC 0.00001; gnomAD exomes 0.00002.
gnomAD v4.1: 9 of 1,614,166 alleles (0.00056%); highest among the groups gnomAD compares: East Asian, 0.02%; 1 homozygote.

Submission:

Labcorp Genetics (formerly Invitae), Labcorp
Classification: Uncertain significance for Autosomal dominant spastic paraplegia type 9; de Barsy syndrome; Cutis laxa, autosomal dominant 3. Last evaluated: 2022-04-07. Review status: criteria provided, single submitter. Criteria: Invitae Variant Classification Sherloc (09022015). Collection method: clinical testing. Allele origin: germline.
Comment: This sequence change falls in intron 8 of the ALDH18A1 gene. It does not directly change the encoded amino acid sequence of the ALDH18A1 protein. It affects a nucleotide within the consensus splice site. This variant is present in population databases (rs748684284, gnomAD 0.006%). This variant has not been reported in the literature in individuals affected with ALDH18A1-related conditions. Variants that disrupt the consensus splice site are a relatively common cause of aberrant splicing (PMID: 17576681, 9536098). Algorithms developed to predict the effect of sequence changes on RNA splicing suggest that this variant is not likely to affect RNA splicing. In summary, the available evidence is currently insufficient to determine the role of this variant in disease. Therefore, it has been classified as a Variant of Uncertain Significance.

Literature cited by the submitters: PubMed 17576681; PubMed 9536098.

NM_002860.4(ALDH18A1):c.933+6A>C

Gene: ALDH18A1 (aldehyde dehydrogenase 18 family member A1; minus strand). Cytogenetic location: 10q24.1.
Variant type: single nucleotide variant.
Coding change: c.933+6A>C on transcript NM_002860.4 (MANE Select); 6 bases into the intron after coding-DNA position 933, A replaced by C.
Molecular consequence: intron variant.
Genome position (GRCh38, 1-based): chr10:95,628,362, T>G on the plus strand (A>C on the coding strand, the complement: ALDH18A1 is on the minus strand). VCF-style: chr10-95628362-T-G. GRCh37 (hg19) VCF-style: chr10-97388119-T-G.
Other names: c.297+6A>C (NM_001323419.2); c.600+6A>C (NM_001323412.2, NM_001323416.2); c.828+6A>C (NM_001323417.2); c.927+6A>C (NM_001017423.2, NM_001323415.2); c.594+6A>C (NM_001323418.2); c.933+6A>C (NM_001323413.2, NM_001323414.2).
Identifiers: ClinVar variation 1978954 (VCV001978954.4), dbSNP rs748684284, ClinGen allele CA5620480.
Genomic context (GRCh38, chr10:95,628,362, plus strand): 5'-TAAAAAGGATACAATATAGTTTGGGCTTTAAAATTGTTATAGGCAGTTAAGGCACCAGAT[T>G]CTTACCTTGGCTTCCATGCCACCCATTCCCACTCTAGACTTGGTTCCAAATGTCACAGAC-3'